The following is an entry in ClinVar:

ClinVar aggregate classification (germline): Uncertain significance (1 of 4 stars; one submission).

Conditions:
Brugada syndrome 8 (BRGDA8). Identifiers: Orphanet 130, MedGen C2751083, MONDO:0013148, OMIM 613123.

Submission:

Labcorp Genetics (formerly Invitae), Labcorp
Classification: Uncertain significance for Brugada syndrome 8. Last evaluated: 2025-10-28. Review status: criteria provided, single submitter. Criteria: Invitae Variant Classification Sherloc (09022015). Collection method: clinical testing. Allele origin: germline.
Comment: This sequence change replaces proline, which is neutral and non-polar, with alanine, which is neutral and non-polar, at codon 802 of the HCN4 protein (p.Pro802Ala). This variant is not present in population databases (gnomAD no frequency). This variant has not been reported in the literature in individuals affected with HCN4-related conditions. Invitae Evidence Modeling of protein sequence and biophysical properties (such as structural, functional, and spatial information, amino acid conservation, physicochemical variation, residue mobility, and thermodynamic stability) indicates that this missense variant is not expected to disrupt HCN4 protein function with a negative predictive value of 95%. In summary, the available evidence is currently insufficient to determine the role of this variant in disease. Therefore, it has been classified as a Variant of Uncertain Significance.

NM_005477.3(HCN4):c.2404C>G (p.Pro802Ala)

Gene: HCN4 (hyperpolarization activated cyclic nucleotide gated potassium channel 4; minus strand). Cytogenetic location: 15q24.1.
Variant type: single nucleotide variant.
Coding change: c.2404C>G on transcript NM_005477.3 (MANE Select); coding-DNA position 2404, C replaced by G.
Protein change: p.Pro802Ala; replaces proline 802 with alanine.
Molecular consequence: missense variant.
Genome position (GRCh38, 1-based): chr15:73,323,689, G>C on the plus strand (C>G on the coding strand, the complement: HCN4 is on the minus strand). VCF-style: chr15-73323689-G-C. GRCh37 (hg19) VCF-style: chr15-73616030-G-C.
Other names: short protein forms P802A.
Identifiers: ClinVar variation 4802403 (VCV004802403.1).
Genomic context (GRCh38, chr15:73,323,689, plus strand): 5'-TCTGCCCGGCACCGAGGTTGCCCAGCCCAGATCCTGGGGGAGGGCGGAAGATGGCAGCAG[G>C]CAGGCGAGGGTGGTGGGTGAGGGCTATGGCCACAGAAGTGGTGGCAGCGGCAGCCTGCAG-3'
Protein context (NP_005468.1, residues 792-812): AIALTHHPRL[Pro802Ala]AAIFRPPPGS